The following is an entry in ClinVar:

NM_000414.4(HSD17B4):c.1223_1226dup (p.Tyr410fs)

Gene: HSD17B4 (hydroxysteroid 17-beta dehydrogenase 4; plus strand). Cytogenetic location: 5q23.1.
Variant type: Duplication.
Coding change: c.1223_1226dup on transcript NM_000414.4 (MANE Select); coding-DNA positions 1223 to 1226, 4 bases duplicated (AGCA; older notation c.1223_1226dupAGCA).
Protein change: p.Tyr410fs; shifts the reading frame from tyrosine 410.
Molecular consequence: frameshift variant. On other transcripts: non-coding transcript variant (2).
Genome position (GRCh38, 1-based): chr5:119,502,054-119,502,057, AGCA duplicated. VCF-style (leftmost placement, unchanged base first): chr5-119502053-G-GAGCA. GRCh37 (hg19) VCF-style: chr5-118837748-G-GAGCA.
Other names: c.1298_1301dup, p.Tyr435fs (NM_001199291.3); c.1169_1172dup, p.Tyr392fs (NM_001199292.2); c.1151_1154dup, p.Tyr386fs (NM_001292027.2); c.803_806dup, p.Tyr270fs (NM_001292028.2); c.1214_1217dup, p.Tyr407fs (NM_001374497.1); c.1223_1226dup, p.Tyr410fs (NM_001374498.1); c.896_899dup, p.Tyr301fs (NM_001374499.1); c.782_785dup, p.Tyr263fs (NM_001374500.1); and 1 more; short protein forms Y263fs, Y270fs, Y273fs, Y301fs, Y386fs, Y392fs, Y407fs, Y410fs.
Identifiers: ClinVar variation 4818338 (VCV004818338.1).

ClinVar aggregate classification (germline): Likely pathogenic (1 of 4 stars; one submission).

Conditions:
Bifunctional peroxisomal enzyme deficiency (DBIF). Also called: DBP DEFICIENCY; PBFE DEFICIENCY; D-bifunctional protein deficiency. Identifiers: Orphanet 300, MedGen C0342870, MONDO:0009855, OMIM 261515. Disease mechanism: loss of function.

Submission:

Natera, Inc.
Classification: Likely pathogenic for Bifunctional peroxisomal enzyme deficiency. Last evaluated: 2024-09-25. Review status: criteria provided, single submitter. Criteria: Natera Variant Classification Schema (03/2026). Collection method: clinical testing. Allele origin: germline.
Comment: The c.1223_1226dup variant in HSD17B4 is a frameshift variant predicted to shift the reading frame beginning at codon 410 and leads to a stop codon 7 codons downstream. This variant is expected to result in nonsense mediated decay, truncation, or a dysfunctional protein product. This variant is rare in the general population with a frequency below the threshold expected for the associated phenotype(s). Given the available evidence, this variant is classified as Likely Pathogenic.